The following is an entry in ClinVar:

ClinVar aggregate classification (germline): Likely pathogenic. Review status: criteria provided, multiple submitters, no conflicts (2 of 4 stars). 2 submissions from 2 submitters: Likely pathogenic (2). Last evaluated 2026-05-03.

Conditions:
Autosomal dominant non-syndromic intellectual disability. Identifiers: Orphanet 178469, MedGen C5680502, MONDO:0015802.

Submissions (2):

Department of Human Genetics, University Hospital Bern, Inselspital
Classification: Likely pathogenic for Autosomal dominant non-syndromic intellectual disability. Last evaluated: 2026-05-03. Review status: criteria provided, single submitter. Criteria: ACMG Guidelines, 2015. Collection method: clinical testing. Allele origin: inherited. Affected: yes.
Comment: The missense variant affects a highly conserved amino acid in the important kinase domain and is predicted to have a damaging effect by AlphaMissense and PrimateAI-3D. Functional assays in Drosophila indicated a loss-of-function effect. The variant was identified in non-identical twins and their mildly affected father and is absent from gnomAD v4.1.0. In summary, criteria PS3_Moderate, PM2_Supporting, PP1_Moderate, and PP3_Supporting were used.

GeneDx
Classification: Likely pathogenic. Last evaluated: 2025-07-18. Review status: criteria provided, single submitter. Criteria: GeneDx Variant Classification Process June 2021. Collection method: clinical testing. Allele origin: germline. Affected: yes.
Comment: Not observed at significant frequency in large population cohorts (gnomAD); In silico analysis supports that this missense variant has a deleterious effect on protein structure/function; Has not been previously published as pathogenic or benign to our knowledge

Literature cited by the submitters: PubMed 42509346 (cited by Department of Human Genetics, University Hospital Bern, Inselspital).

NM_001256627.2(BRSK2):c.82G>C (p.Gly28Arg)

Gene: BRSK2 (BR serine/threonine kinase 2; plus strand). Cytogenetic location: 11p15.5.
Variant type: single nucleotide variant.
Coding change: c.82G>C on transcript NM_001256627.2 (MANE Select); coding-DNA position 82, G replaced by C.
Protein change: p.Gly28Arg; replaces glycine 28 with arginine.
Molecular consequence: missense variant. On other transcripts: non-coding transcript variant (1).
Genome position (GRCh38, 1-based): chr11:1,390,366, G>C. VCF-style: chr11-1390366-G-C. GRCh37 (hg19) VCF-style: chr11-1411596-G-C.
Other names: c.82G>C, p.Gly28Arg (NM_001256629.2, NM_003957.4); short protein forms G28R.
Identifiers: ClinVar variation 2505705 (VCV002505705.3), dbSNP rs2538908846, ClinGen allele CA379046350.